The following is an entry in ClinVar:

NM_017909.4(RMND1):c.1214_1233del (p.Lys405fs)

Gene: RMND1 (required for meiotic nuclear division 1 homolog; minus strand). Cytogenetic location: 6q25.1.
Variant type: Deletion.
Coding change: c.1214_1233del on transcript NM_017909.4 (MANE Select); coding-DNA positions 1214 to 1233, 20 bases deleted (AACTTCAGCACTGCATGGAA).
Protein change: p.Lys405fs; shifts the reading frame from lysine 405.
Molecular consequence: frameshift variant.
Genome position (GRCh38, 1-based): chr6:151,405,804-151,405,823, TTCCATGCAGTGCTGAAGTT deleted on the plus strand (AACTTCAGCACTGCATGGAA on the coding strand, the reverse complement: RMND1 is on the minus strand); deleting any 20 consecutive bases within chr6:151,405,804-151,405,825 gives the same sequence; the c. name uses the placement nearest the transcript's 3' end. VCF-style (leftmost placement, unchanged base first): chr6-151405803-GTTCCATGCAGTGCTGAAGTT-G. GRCh37 (hg19) VCF-style: chr6-151726938-GTTCCATGCAGTGCTGAAGTT-G.
Other names: c.704_723del, p.Lys235fs (NM_001271937.2); short protein forms K405fs, K235fs.
Identifiers: ClinVar variation 3593228 (VCV003593228.3).

ClinVar aggregate classification (germline): Pathogenic/Likely pathogenic. Review status: criteria provided, multiple submitters, no conflicts (2 of 4 stars). 2 submissions from 2 submitters: Pathogenic (1); Likely pathogenic (1). Last evaluated 2024-04-12.

Conditions:
Combined oxidative phosphorylation defect type 11. Also called: ENCEPHALONEUROMYOPATHY, INFANTILE, DUE TO MITOCHONDRIAL TRANSLATION DEFECT; Combined oxidative phosphorylation deficiency 11. Identifiers: Orphanet 324535, MedGen C5190991, MONDO:0013969, OMIM 614922.

Submissions (2):

Fulgent Genetics
Classification: Likely pathogenic for Combined oxidative phosphorylation defect type 11. Last evaluated: 2024-04-12. Review status: criteria provided, single submitter. Criteria: ACMG Guidelines, 2015. Collection method: clinical testing. Allele origin: germline.

Labcorp Genetics (formerly Invitae), Labcorp
Classification: Pathogenic. Last evaluated: 2024-02-29. Review status: criteria provided, single submitter. Criteria: Invitae Variant Classification Sherloc (09022015). Collection method: clinical testing. Allele origin: germline.
Comment: This sequence change creates a premature translational stop signal (p.Lys405Thrfs*11) in the RMND1 gene. It is expected to result in an absent or disrupted protein product. Loss-of-function variants in RMND1 are known to be pathogenic (PMID: 27412952). This variant is not present in population databases (gnomAD no frequency). This variant has not been reported in the literature in individuals affected with RMND1-related conditions. For these reasons, this variant has been classified as Pathogenic.

Literature cited by the submitters: PubMed 27412952 (cited by Labcorp Genetics (formerly Invitae), Labcorp).